The following is an entry in ClinVar:

ClinVar aggregate classification (germline): Likely pathogenic (1 of 4 stars; one submission).

Conditions:
Myeloproliferative neoplasm. Identifiers: Orphanet 98274, MedGen C1292778, MONDO:0020076.

Submission:

Dept of Medical Biology, Uskudar University
Classification: Likely pathogenic for Myeloproliferative neoplasm. Last evaluated: 2026-09-23. Review status: criteria provided, single submitter. Criteria: Dept of Medical Biology Variant Classification. Collection method: research. Allele origin: unknown. Affected: yes. Observed: 1 variant allele.
Comment: PVS1_strong: frameshift in the last exon (exon 13), predicted to escape nonsense-mediated decay but to truncate the protein upstream of the carboxy-terminal PHD domain (PMID:30192042). PM2_supporting: absent from gnomAD v4.1. PM1_supporting: located in the exon 13 region in which truncating ASXL1 mutations cluster in myeloid neoplasms (PMID:19609284). Classified as likely pathogenic under the ACMG/AMP 2015 guidelines (PMID:25741868). Detected in a retrospective series of 256 BCR::ABL1-negative and JAK2 V617F-negative patients referred for molecular investigation of a suspected myeloproliferative neoplasm (May 2007 to January 2015) and re-interpreted under the ACMG/AMP 2015 criteria.

Literature cited by the submitters: PubMed 19609284.

NM_015338.6(ASXL1):c.2341_2350del (p.Leu781fs)

Gene: ASXL1 (ASXL transcriptional regulator 1; plus strand). Cytogenetic location: 20q11.21.
Variant type: Deletion.
Coding change: c.2341_2350del on transcript NM_015338.6 (MANE Select); coding-DNA positions 2341 to 2350, 10 bases deleted (TTGCATCCGG; older notation c.2341_2350delTTGCATCCGG).
Protein change: p.Leu781fs; shifts the reading frame from leucine 781.
Molecular consequence: frameshift variant.
Genome position (GRCh38, 1-based): chr20:32,435,053-32,435,062, TTGCATCCGG deleted; deleting any 10 consecutive bases within chr20:32,435,052-32,435,062 gives the same sequence; the c. name uses the placement nearest the transcript's 3' end. VCF-style (leftmost placement, unchanged base first): chr20-32435051-AGTTGCATCCG-A. GRCh37 (hg19) VCF-style: chr20-31022854-AGTTGCATCCG-A.
Other names: c.2158_2167del, p.Leu720fs (NM_001363734.1); short protein forms L720fs, L781fs.
Identifiers: ClinVar variation 5036685 (VCV005036685.1).